The following is an entry in ClinVar:

NM_021922.3(FANCE):c.1436_1437del (p.Lys479fs)

Gene: FANCE (FA complementation group E; plus strand). Cytogenetic location: 6p21.31.
Variant type: Deletion.
Coding change: c.1436_1437del on transcript NM_021922.3 (MANE Select); coding-DNA positions 1436 to 1437, 2 bases deleted (AG; older notation c.1436_1437delAG).
Protein change: p.Lys479fs; shifts the reading frame from lysine 479.
Molecular consequence: frameshift variant. On other transcripts: intron variant (1).
Genome position (GRCh38, 1-based): chr6:35,462,841-35,462,842, AG deleted. VCF-style (leftmost placement, unchanged base first): chr6-35462840-AAG-A. GRCh37 (hg19) VCF-style: chr6-35430617-AAG-A.
Other names: c.1436_1437del (NM_021922.2); c.1316+3081_1316+3082del (NM_001410876.1); short protein forms K479fs.
Identifiers: ClinVar variation 2675544 (VCV002675544.4), dbSNP rs775767809, ClinGen allele CA3771714.

ClinVar aggregate classification (germline): Conflicting classifications of pathogenicity. Review status: criteria provided, conflicting classifications (1 of 4 stars). 2 submissions from 2 submitters: Likely pathogenic (1); Uncertain significance (1). Last evaluated 2024-03-19.

Conditions:
Fanconi anemia complementation group E (FANCE). Also called: FANCE-Related Fanconi Anemia. Identifiers: Orphanet 84, MedGen C3160739, MONDO:0010953, OMIM 600901.

Allele frequency attached by ClinVar (database versions not stated): gnomAD exomes below 0.00001; ExAC 0.00001; TOPMed 0.00002; gnomAD 0.00004.

Submissions (2):

Baylor Genetics
Classification: Likely pathogenic for Fanconi anemia complementation group E. Last evaluated: 2024-03-19. Review status: criteria provided, single submitter. Criteria: ACMG Guidelines, 2015. Collection method: clinical testing. Allele origin: unknown.

Genetic Services Laboratory, University of Chicago
Classification: Uncertain significance. Last evaluated: 2024-02-27. Review status: criteria provided, single submitter. Criteria: ACMG Guidelines, 2015. Collection method: clinical testing. Allele origin: germline. Affected: no.
Comment: DNA sequence analysis of the FANCE gene demonstrated a two base pair deletion in exon 9, c.1436_1437del. This sequence change results in an amino acid frameshift and creates a premature stop codon 24 amino acids downstream of the change, p.Lys479Argfs*24. This deletion does not appear to have been previously described in individuals with FANCE-related disorders. This sequence change is predicted to result in an abnormal transcript, which may be degraded, or may lead to the production of a truncated FANCE protein with potentially abnormal function. This sequence change has been described in the gnomAD database with a frequency of 0.01% in the African subpopulation and 0.0008% in the overall population (dbSNP rs775767809). Due to the lack of studies that conclusively demonstrate the effect of this variant on protein function, the presence of this variant in a relatively high proportion of individuals in control populations, and its presence in the second to last exon of the gene with no other truncating variants described downstream of this variant to date, the clinical significance of the p.Lys479Argfs*24 change remains unknown at this time.